The following is an entry in ClinVar:

ClinVar aggregate classification (germline): Likely benign. Review status: criteria provided, multiple submitters, no conflicts (2 of 4 stars). 2 submissions from 2 submitters: Likely benign (2). Last evaluated 2026-01-11.

Conditions:
SMAD4-related disorder. Also called: SMAD4-related condition; SMAD4-Related disorders.
Juvenile polyposis syndrome (JPS). Identifiers: Orphanet 2929, MedGen C0345893, MONDO:0017380, OMIM 174900.

Submissions (2):

PreventionGenetics, part of Exact Sciences
Classification: Likely benign for SMAD4-related condition. Last evaluated: 2026-01-11. Review status: criteria provided, single submitter. Criteria: ACMG Guidelines, 2015. Collection method: clinical testing. Allele origin: germline.
Comment: This variant is classified as likely benign based on ACMG/AMP sequence variant interpretation guidelines (Richards et al. 2015 PMID: 25741868, with internal and published modifications).

Labcorp Genetics (formerly Invitae), Labcorp
Classification: Likely benign for Juvenile polyposis syndrome. Last evaluated: 2024-07-30. Review status: criteria provided, single submitter. Criteria: Invitae Variant Classification Sherloc (09022015). Collection method: clinical testing. Allele origin: germline.

NM_005359.6(SMAD4):c.1359T>G (p.Thr453=)

Gene: SMAD4 (SMAD family member 4; plus strand). Cytogenetic location: 18q21.2.
Variant type: single nucleotide variant.
Coding change: c.1359T>G on transcript NM_005359.6 (MANE Select); coding-DNA position 1359, T replaced by G.
Protein change: p.Thr453=; no amino-acid change (threonine 453 retained).
Molecular consequence: synonymous variant. On other transcripts: non-coding transcript variant (1).
Genome position (GRCh38, 1-based): chr18:51,076,688, T>G. VCF-style: chr18-51076688-T-G. GRCh37 (hg19) VCF-style: chr18-48603058-T-G.
Other names: c.1359T>G, p.Thr453= (NM_001407041.1, NM_001407042.1).
Identifiers: ClinVar variation 3660822 (VCV003660822.3).
Genomic context (GRCh38, chr18:51,076,688, plus strand): 5'-TTCTTAAAAGGTCTTTGATTTGCGTCAGTGTCATCGACAGATGCAGCAGCAGGCGGCTAC[T>G]GCACAAGCTGCAGCAGCTGCCCAGGCAGCAGCCGTGGCAGGAAACATCCCTGGCCCAGGA-3'
Protein context (NP_005350.1, residues 443-463): CHRQMQQQAA[Thr453=]AQAAAAAQAA